The following is an entry in ClinVar:

ClinVar aggregate classification (germline): Uncertain significance (1 of 4 stars; one submission).

Allele frequency attached by ClinVar (database versions not stated): gnomAD exomes 0.00005; ESP Exome Variant Server 0.00008; gnomAD 0.00015 and 0.00016.
gnomAD v4.1: 166 of 1,613,434 alleles (0.01%); highest among the groups gnomAD compares: Non-Finnish European, 0.013%; no homozygotes.

Submission:

Labcorp Genetics (formerly Invitae), Labcorp
Classification: Uncertain significance. Last evaluated: 2022-08-01. Review status: criteria provided, single submitter. Criteria: Invitae Variant Classification Sherloc (09022015). Collection method: clinical testing. Allele origin: germline.
Comment: This sequence change replaces isoleucine, which is neutral and non-polar, with valine, which is neutral and non-polar, at codon 596 of the MAP3K20 protein (p.Ile596Val). This variant is present in population databases (rs368057302, gnomAD 0.01%). This variant has not been reported in the literature in individuals affected with MAP3K20-related conditions. ClinVar contains an entry for this variant (Variation ID: 1366345). In summary, the available evidence is currently insufficient to determine the role of this variant in disease. Therefore, it has been classified as a Variant of Uncertain Significance.

NM_016653.3(MAP3K20):c.1786A>G (p.Ile596Val)

Genes: MAP3K20 (mitogen-activated protein kinase kinase kinase 20; plus strand), MAP3K20-AS1 (MAP3K20 antisense RNA 1; minus strand). Cytogenetic location: 2q31.1.
Variant type: single nucleotide variant.
Coding change: c.1786A>G on transcript NM_016653.3 (MANE Select); coding-DNA position 1786, A replaced by G.
Protein change: p.Ile596Val; replaces isoleucine 596 with valine.
Molecular consequence: missense variant.
Genome position (GRCh38, 1-based): chr2:173,266,133, A>G. VCF-style: chr2-173266133-A-G. GRCh37 (hg19) VCF-style: chr2-174130861-A-G.
Other names: short protein forms I596V.
Identifiers: ClinVar variation 1366345 (VCV001366345.3), dbSNP rs368057302, ClinGen allele CA1970962.
Genomic context (GRCh38, chr2:173,266,133, plus strand): 5'-ACTCTGAGGATGCGGCAGATTGCATCCAACACTTCTTTACAGCGTTCCCAGAGCAATCCT[A>G]TTCTGGGGTCACCGTTCTTCTCACACTTTGATGGCCAGGATTCCTACGCTGCTGCTGTGA-3'
Protein context (NP_057737.2, residues 586-606): TSLQRSQSNP[Ile596Val]LGSPFFSHFD